The following is an entry in ClinVar:

ClinVar aggregate classification (germline): Conflicting classifications of pathogenicity. Review status: criteria provided, conflicting classifications (1 of 4 stars). 2 submissions from 2 submitters: Uncertain significance (1); Likely benign (1). Last evaluated 2025-12-15.

Allele frequency attached by ClinVar (database versions not stated): gnomAD 0.00001; TOPMed 0.00001; ExAC 0.00002.
gnomAD v4.1: 21 of 1,614,060 alleles (0.0013%); highest among the groups gnomAD compares: Non-Finnish European, 0.0016%; no homozygotes.

Submissions (2):

Ambry Genetics
Classification: Uncertain significance. Last evaluated: 2025-12-15. Review status: criteria provided, single submitter. Criteria: Ambry Variant Classification Scheme 2023. Collection method: clinical testing. Allele origin: germline.

CeGaT Center for Human Genetics Tuebingen
Classification: Likely benign. Last evaluated: 2022-11-01. Review status: criteria provided, single submitter. Criteria: CeGaT Center For Human Genetics Tuebingen Variant Classification Criteria Version 2. Collection method: clinical testing. Allele origin: germline. Affected: yes. Observed: 1 variant allele.
Comment: ZFHX3: BP4

NM_006885.4(ZFHX3):c.8789C>T (p.Ala2930Val)

Genes: ZFHX3 (zinc finger homeobox 3; minus strand), ZFHX3-AS1 (ZFHX3 antisense RNA 1; plus strand). Cytogenetic location: 16q22.2.
Variant type: single nucleotide variant.
Coding change: c.8789C>T on transcript NM_006885.4 (MANE Select); coding-DNA position 8789, C replaced by T.
Protein change: p.Ala2930Val; replaces alanine 2930 with valine.
Molecular consequence: missense variant.
Genome position (GRCh38, 1-based): chr16:72,793,893, G>A on the plus strand (C>T on the coding strand, the complement: ZFHX3 is on the minus strand). VCF-style: chr16-72793893-G-A. GRCh37 (hg19) VCF-style: chr16-72827792-G-A.
Other names: c.6047C>T, p.Ala2016Val (NM_001164766.2); c.8789C>T, p.Ala2930Val (NM_001386735.1); c.8789C>T (NM_006885.3); short protein forms A2016V, A2930V.
Identifiers: ClinVar variation 2646821 (VCV002646821.24), dbSNP rs762302068, ClinGen allele CA8162989.